The following is an entry in ClinVar:

ClinVar aggregate classification (germline): Uncertain significance (1 of 4 stars; one submission).

Conditions:
Inborn genetic diseases. Identifiers: MedGen C0950123, MeSH D030342.

Allele frequency attached by ClinVar (database versions not stated): gnomAD exomes 0.00001.
gnomAD v4.1: 7 of 1,613,066 alleles (0.00043%); highest among the groups gnomAD compares: Non-Finnish European, 0.00059%; no homozygotes.

Submission:

Ambry Genetics
Classification: Uncertain significance for Inborn genetic diseases. Last evaluated: 2021-07-11. Review status: criteria provided, single submitter. Criteria: Ambry Variant Classification Scheme 2023. Collection method: clinical testing. Allele origin: germline.
Comment: The p.M472T variant (also known as c.1415T>C), located in coding exon 11 of the BUB1B gene, results from a T to C substitution at nucleotide position 1415. The methionine at codon 472 is replaced by threonine, an amino acid with similar properties. This amino acid position is conserved. In addition, this alteration is predicted to be tolerated by in silico analysis. Since supporting evidence is limited at this time, the clinical significance of this alteration remains unclear.

NM_001211.6(BUB1B):c.1415T>C (p.Met472Thr)

Gene: BUB1B (BUB1 mitotic checkpoint serine/threonine kinase B; plus strand). Cytogenetic location: 15q15.1.
Variant type: single nucleotide variant.
Coding change: c.1415T>C on transcript NM_001211.6 (MANE Select); coding-DNA position 1415, T replaced by C.
Protein change: p.Met472Thr; replaces methionine 472 with threonine.
Molecular consequence: missense variant.
Genome position (GRCh38, 1-based): chr15:40,200,257, T>C. VCF-style: chr15-40200257-T-C. GRCh37 (hg19) VCF-style: chr15-40492458-T-C.
Other names: short protein forms M472T.
Identifiers: ClinVar variation 1772121 (VCV001772121.2), dbSNP rs2037548769, ClinGen allele CA391689622.